The following is an entry in ClinVar:

NM_000426.4(LAMA2):c.4181G>A (p.Cys1394Tyr)

Gene: LAMA2 (laminin subunit alpha 2; plus strand). Cytogenetic location: 6q22.33.
Variant type: single nucleotide variant.
Coding change: c.4181G>A on transcript NM_000426.4 (MANE Select); coding-DNA position 4181, G replaced by A.
Protein change: p.Cys1394Tyr; replaces cysteine 1394 with tyrosine.
Molecular consequence: missense variant.
Genome position (GRCh38, 1-based): chr6:129,328,282, G>A. VCF-style: chr6-129328282-G-A. GRCh37 (hg19) VCF-style: chr6-129649427-G-A.
Other names: c.4181G>A, p.Cys1394Tyr (NM_001079823.2); short protein forms C1394Y.
Identifiers: ClinVar variation 1717716 (VCV001717716.3), dbSNP rs1427659924, ClinGen allele CA365614077.

ClinVar aggregate classification (germline): Uncertain significance (1 of 4 stars; one submission).

Conditions:
LAMA2-related muscular dystrophy (LAMA2-RD). Also called: Laminin alpha 2-related dystrophy. Identifiers: MedGen C5679788, MONDO:0100228.

Allele frequency attached by ClinVar (database versions not stated): gnomAD exomes below 0.00001.
gnomAD v4.1: 1 of 1,614,104 alleles (0.000062%); highest among the groups gnomAD compares: Non-Finnish European, 0.000085%; no homozygotes.

Submission:

Labcorp Genetics (formerly Invitae), Labcorp
Classification: Uncertain significance for LAMA2-related muscular dystrophy. Last evaluated: 2022-08-22. Review status: criteria provided, single submitter. Criteria: Invitae Variant Classification Sherloc (09022015). Collection method: clinical testing. Allele origin: germline.
Comment: This sequence change replaces cysteine, which is neutral and slightly polar, with tyrosine, which is neutral and polar, at codon 1394 of the LAMA2 protein (p.Cys1394Tyr). This variant is present in population databases (no rsID available, gnomAD 0.0009%). This variant has not been reported in the literature in individuals affected with LAMA2-related conditions. Advanced modeling of protein sequence and biophysical properties (such as structural, functional, and spatial information, amino acid conservation, physicochemical variation, residue mobility, and thermodynamic stability) performed at Invitae indicates that this missense variant is expected to disrupt LAMA2 protein function. In summary, the available evidence is currently insufficient to determine the role of this variant in disease. Therefore, it has been classified as a Variant of Uncertain Significance.